The following is an entry in ClinVar:

ClinVar aggregate classification (germline): Uncertain significance (1 of 4 stars; one submission).

Conditions:
Episodic ataxia type 2 (EA2). Also called: ACETAZOLAMIDE-RESPONSIVE HEREDITARY PAROXYSMAL CEREBELLAR ATAXIA; ATAXIA, EPISODIC, WITH NYSTAGMUS; ATAXIA, FAMILIAL PAROXYSMAL; CEREBELLAR ATAXIA, PAROXYSMAL, ACETAZOLAMIDE-RESPONSIVE; CEREBELLOPATHY, HEREDITARY PAROXYSMAL; EPISODIC ATAXIA, NYSTAGMUS-ASSOCIATED. Identifiers: Orphanet 97, MedGen C1720416, MONDO:0007163, OMIM 108500.

Submission:

Neuberg Centre For Genomic Medicine, NCGM
Classification: Uncertain significance for Episodic ataxia type 2. Review status: criteria provided, single submitter. Criteria: ACMG Guidelines, 2015. Collection method: clinical testing. Allele origin: germline. Inheritance: Autosomal dominant inheritance. Affected: yes.
Comment: The missense c.6128G>T(p.Gly2043Val) variant in CACNA1A gene has not been reported previously as a pathogenic variant nor a benign variant, to our knowledge. The p.Gly2043Val variant is novel (not in any individuals) in gnomAD Exomes and 1000 Genomes. This variant has not been reported to the ClinVar database. The amino acid change p.Gly2043Val in CACNA1A is predicted as conserved by GERP++ and PhyloP across 100 vertebrates. The amino acid Gly at position 2043 is changed to a Val changing protein sequence and it might alter its composition and physico-chemical properties. For these reasons, this variant has been classified as a Uncertain significance (VUS).

NM_001127222.2(CACNA1A):c.6128G>T (p.Gly2043Val)

Gene: CACNA1A (calcium voltage-gated channel subunit alpha1 A; minus strand). Cytogenetic location: 19p13.13.
Variant type: single nucleotide variant.
Coding change: c.6128G>T on transcript NM_001127222.2 (MANE Select); coding-DNA position 6128, G replaced by T.
Protein change: p.Gly2043Val; replaces glycine 2043 with valine.
Molecular consequence: missense variant.
Genome position (GRCh38, 1-based): chr19:13,212,445, C>A on the plus strand (G>T on the coding strand, the complement: CACNA1A is on the minus strand). VCF-style: chr19-13212445-C-A. GRCh37 (hg19) VCF-style: chr19-13323259-C-A.
Other names: c.6146G>T, p.Gly2049Val (NM_000068.4, NM_023035.3); c.6131G>T, p.Gly2044Val (NM_001127221.2); c.6137G>T, p.Gly2046Val (NM_001174080.2); short protein forms G2043V, G2044V, G2046V, G2049V.
Identifiers: ClinVar variation 3062027 (VCV003062027.1), dbSNP rs765421252, ClinGen allele CA404332870.